The following is an entry in ClinVar:

ClinVar aggregate classification (germline): Uncertain significance (1 of 4 stars; one submission).

Conditions:
Rhabdoid tumor predisposition syndrome 2 (RTPS2). Identifiers: Orphanet 231108, Orphanet 69077, MedGen C2750074, MONDO:0013224, OMIM 613325.

Submission:

Labcorp Genetics (formerly Invitae), Labcorp
Classification: Uncertain significance for Rhabdoid tumor predisposition syndrome 2. Last evaluated: 2025-09-16. Review status: criteria provided, single submitter. Criteria: Invitae Variant Classification Sherloc (09022015). Collection method: clinical testing. Allele origin: germline.
Comment: This sequence change replaces threonine, which is neutral and polar, with alanine, which is neutral and non-polar, at codon 3 of the SMARCA4 protein (p.Thr3Ala). This variant is not present in population databases (gnomAD no frequency). This variant has not been reported in the literature in individuals affected with SMARCA4-related conditions. ClinVar contains an entry for this variant (Variation ID: 2133432). Experimental studies and prediction algorithms are not available or were not evaluated, and the functional significance of this variant is currently unknown. In summary, the available evidence is currently insufficient to determine the role of this variant in disease. Therefore, it has been classified as a Variant of Uncertain Significance.

NM_003072.5(SMARCA4):c.7A>G (p.Thr3Ala)

Gene: SMARCA4 (SWI/SNF related BAF chromatin remodeling complex subunit ATPase 4; plus strand). Cytogenetic location: 19p13.2.
Variant type: single nucleotide variant.
Coding change: c.7A>G on transcript NM_003072.5 (MANE Select); coding-DNA position 7, A replaced by G.
Protein change: p.Thr3Ala; replaces threonine 3 with alanine.
Molecular consequence: missense variant. On other transcripts: non-coding transcript variant (1).
Genome position (GRCh38, 1-based): chr19:10,984,158, A>G. VCF-style: chr19-10984158-A-G. GRCh37 (hg19) VCF-style: chr19-11094834-A-G.
Other names: c.7A>G, p.Thr3Ala (NM_001128844.3, NM_001128845.2, NM_001128846.2 and 6 more transcripts); short protein forms T3A.
Identifiers: ClinVar variation 2133432 (VCV002133432.4), dbSNP rs1599927930, ClinGen allele CA404053848.